The following is an entry in ClinVar:

NM_021072.4(HCN1):c.1732A>G (p.Met578Val)

Gene: HCN1 (hyperpolarization activated cyclic nucleotide gated potassium channel 1; minus strand). Cytogenetic location: 5p12.
Variant type: single nucleotide variant.
Coding change: c.1732A>G on transcript NM_021072.4 (MANE Select); coding-DNA position 1732, A replaced by G.
Protein change: p.Met578Val; replaces methionine 578 with valine.
Molecular consequence: missense variant.
Genome position (GRCh38, 1-based): chr5:45,267,140, T>C on the plus strand (A>G on the coding strand, the complement: HCN1 is on the minus strand). VCF-style: chr5-45267140-T-C. GRCh37 (hg19) VCF-style: chr5-45267242-T-C.
Other names: short protein forms M578V.
Identifiers: ClinVar variation 5009009 (VCV005009009.1).

ClinVar aggregate classification (germline): Uncertain significance (1 of 4 stars; one submission).

gnomAD v4.1: 4 of 1,613,890 alleles (0.00025%); highest among the groups gnomAD compares: Non-Finnish European, 0.00025%; no homozygotes.

Submission:

GeneDx
Classification: Uncertain significance. Last evaluated: 2026-03-14. Review status: criteria provided, single submitter. Criteria: GeneDx Variant Classification Process June 2021. Collection method: clinical testing. Allele origin: germline.
Comment: Not observed at significant frequency in large population cohorts (gnomAD); In silico analysis supports that this missense variant has a deleterious effect on protein structure/function; Has not been previously published as pathogenic or benign to our knowledge